The following is an entry in ClinVar:

NM_001271049.2(CFAP221):c.1134-10_1134-9dup

Gene: CFAP221 (cilia and flagella associated protein 221; plus strand). Cytogenetic location: 2q14.2.
Variant type: Duplication.
Coding change: c.1134-10_1134-9dup on transcript NM_001271049.2 (MANE Select); 10 bases into the intron before coding-DNA position 1134 through 9 bases into the intron before coding-DNA position 1134, 2 bases duplicated (TT; older notation c.1134-10_1134-9dupTT).
Molecular consequence: intron variant.
Genome position (GRCh38, 1-based): chr2:119,608,492-119,608,493, TT duplicated; duplicating any 2 consecutive bases within chr2:119,608,482-119,608,493 gives the same sequence; the c. name uses the placement nearest the transcript's 3' end. VCF-style (leftmost placement, unchanged base first): chr2-119608481-G-GTT. GRCh37 (hg19) VCF-style: chr2-120366057-G-GTT.
Identifiers: ClinVar variation 3356215 (VCV003356215.1).

ClinVar aggregate classification (germline): Likely benign (0 of 4 stars; one submission).

Conditions:
CFAP221-related disorder. Also called: CFAP221-related condition.

Submission:

PreventionGenetics, part of Exact Sciences
Classification: Likely benign for CFAP221-related condition. Last evaluated: 2024-09-04. Review status: no assertion criteria provided. Collection method: clinical testing. Allele origin: germline.
Comment: This variant is classified as likely benign based on ACMG/AMP sequence variant interpretation guidelines (Richards et al. 2015 PMID: 25741868, with internal and published modifications).